The following is an entry in ClinVar:

ClinVar aggregate classification (germline): Uncertain significance (1 of 4 stars; one submission).

Conditions:
Emery-Dreifuss muscular dystrophy (EDMD). Also called: Scapuloperoneal syndrome, X-linked (formerly); Humeroperoneal neuromuscular disease, (formerly). Identifiers: Orphanet 261, MedGen C0410189, MONDO:0016830.

Allele frequency attached by ClinVar (database versions not stated): gnomAD 0.00001; TOPMed 0.00002; gnomAD exomes 0.00004; ExAC 0.00005.
gnomAD v4.1: 52 of 1,613,604 alleles (0.0032%); highest among the groups gnomAD compares: South Asian, 0.029%; 1 homozygote.

Submission:

Labcorp Genetics (formerly Invitae), Labcorp
Classification: Uncertain significance for Emery-Dreifuss muscular dystrophy. Last evaluated: 2024-01-08. Review status: criteria provided, single submitter. Criteria: Invitae Variant Classification Sherloc (09022015). Collection method: clinical testing. Allele origin: germline.
Comment: This sequence change replaces arginine, which is basic and polar, with histidine, which is basic and polar, at codon 614 of the SUN2 protein (p.Arg614His). This variant is present in population databases (rs757720826, gnomAD 0.04%). This variant has not been reported in the literature in individuals affected with SUN2-related conditions. An algorithm developed to predict the effect of missense changes on protein structure and function (PolyPhen-2) suggests that this variant is likely to be disruptive. In summary, the available evidence is currently insufficient to determine the role of this variant in disease. Therefore, it has been classified as a Variant of Uncertain Significance.

NM_015374.3(SUN2):c.1841G>A (p.Arg614His)

Genes: GTPBP1 (GTP binding protein 1; plus strand), SUN2 (Sad1 and UNC84 domain containing 2; minus strand). Cytogenetic location: 22q13.1.
Variant type: single nucleotide variant.
Coding change: c.1841G>A on transcript NM_015374.3 (MANE Select); coding-DNA position 1841, G replaced by A.
Protein change: p.Arg614His; replaces arginine 614 with histidine.
Molecular consequence: missense variant.
Genome position (GRCh38, 1-based): chr22:38,738,693, C>T on the plus strand (G>A on the coding strand, the complement: SUN2 is on the minus strand). VCF-style: chr22-38738693-C-T. GRCh37 (hg19) VCF-style: chr22-39134698-C-T.
Other names: c.1904G>A, p.Arg635His (NM_001199579.2, NM_001394428.1); c.1841G>A, p.Arg614His (NM_001199580.2, NM_001394431.1, NM_001394432.1 and 3 more transcripts); c.1934G>A, p.Arg645His (NM_001394427.1); c.1886G>A, p.Arg629His (NM_001394429.1, NM_001394430.1); c.1838G>A, p.Arg613His (NM_001394436.1, NM_001394437.1); c.1751G>A, p.Arg584His (NM_001394438.1); c.1703G>A, p.Arg568His (NM_001394439.1, NM_001394440.1, NM_001394441.1); c.1442G>A, p.Arg481His (NM_001394442.1); and 2 more; short protein forms R481H, R635H, R613H, R614H, R450H, R568H, R584H, R629H.
Identifiers: ClinVar variation 2748231 (VCV002748231.3), dbSNP rs757720826, ClinGen allele CA10235408.